The following is an entry in ClinVar:

NM_001854.4(COL11A1):c.1063T>C (p.Ser355Pro)

Gene: COL11A1 (collagen type XI alpha 1 chain; minus strand). Cytogenetic location: 1p21.1.
Variant type: single nucleotide variant.
Coding change: c.1063T>C on transcript NM_001854.4 (MANE Select); coding-DNA position 1063, T replaced by C.
Protein change: p.Ser355Pro; replaces serine 355 with proline.
Molecular consequence: missense variant. On other transcripts: non-coding transcript variant (1), intron variant (1).
Genome position (GRCh38, 1-based): chr1:103,022,924, A>G on the plus strand (T>C on the coding strand, the complement: COL11A1 is on the minus strand). VCF-style: chr1-103022924-A-G. GRCh37 (hg19) VCF-style: chr1-103488480-A-G.
Other names: c.946T>C, p.Ser316Pro (NM_001190709.2); c.1099T>C, p.Ser367Pro (NM_080629.3); c.898-1155T>C (NM_080630.4); short protein forms S355P, S367P, S316P.
Identifiers: ClinVar variation 452469 (VCV000452469.31), dbSNP rs141036911, ClinGen allele CA975120.

ClinVar aggregate classification (germline): Conflicting classifications of pathogenicity. Review status: criteria provided, conflicting classifications (1 of 4 stars). 6 submissions from 6 submitters: Uncertain significance (4); Likely benign (2). Last evaluated 2025-12-24.

Allele frequency attached by ClinVar (database versions not stated): ExAC 0.00007; TOPMed 0.00011; 1000 Genomes Project 30x 0.00016; 1000 Genomes Project 0.00020.
gnomAD v4.1: 195 of 1,613,710 alleles (0.012%); highest among the groups gnomAD compares: Non-Finnish European, 0.016%; no homozygotes.

Submissions (6):

Labcorp Genetics (formerly Invitae), Labcorp
Classification: Likely benign. Last evaluated: 2025-12-24. Review status: criteria provided, single submitter. Criteria: Invitae Variant Classification Sherloc (09022015). Collection method: clinical testing. Allele origin: germline.

GeneDx
Classification: Uncertain significance. Last evaluated: 2025-02-24. Review status: criteria provided, single submitter. Criteria: GeneDx Variant Classification Process June 2021. Collection method: clinical testing. Allele origin: germline. Affected: yes.
Comment: Identified in patients with adolescent idiopathic scoliosis in published literature (PMID: 26566670); In silico analysis indicates that this missense variant does not alter protein structure/function; Not located in the triple helical region, where the majority of pathogenic missense variants occur (HGMD; PMID: 25240749); This variant is associated with the following publications: (PMID: 25240749, 26566670)

CeGaT Center for Human Genetics Tuebingen
Classification: Uncertain significance. Last evaluated: 2024-06-01. Review status: criteria provided, single submitter. Criteria: CeGaT Center For Human Genetics Tuebingen Variant Classification Criteria Version 2. Collection method: clinical testing. Allele origin: germline. Affected: yes. Observed: 1 variant allele.
Comment: COL11A1: PM2, BP4

Blueprint Genetics
Classification: Likely benign. Last evaluated: 2024-05-10. Review status: criteria provided, single submitter. Criteria: ACMG Guidelines, 2015. Collection method: clinical testing. Allele origin: germline.

ARUP Laboratories, Molecular Genetics and Genomics, ARUP Laboratories
Classification: Uncertain significance. Last evaluated: 2023-03-13. Review status: criteria provided, single submitter. Criteria: ARUP Molecular Germline Variant Investigation Process 2024. Collection method: clinical testing. Allele origin: germline.
Comment: The COL11A1 c.1063T>C; p.Ser355Pro variant (rs141036911), to our knowledge, is not reported in the medical literature but is reported in ClinVar (Variation ID: 452469). This variant is observed in the general population with an overall allele frequency of 0.006% (18/282378 alleles) in the Genome Aggregation Database. Computational analyses are uncertain whether this variant is neutral or deleterious (REVEL: 0.205). Due to limited information, the clinical significance of this variant is uncertain at this time.

Breakthrough Genomics
Classification: Uncertain significance. Review status: criteria provided, single submitter. Criteria: ACMG Guidelines, 2015. Collection method: not provided. Allele origin: germline. Inheritance: Autosomal recessive inheritance. Affected: yes.